The following is an entry in ClinVar:

ClinVar aggregate classification (germline): Conflicting classifications of pathogenicity. Review status: criteria provided, conflicting classifications (1 of 4 stars). 5 submissions from 5 submitters: Uncertain significance (1); Likely benign (4). Last evaluated 2026-03-25.

Conditions:
Hereditary cancer-predisposing syndrome. Also called: Hereditary neoplastic syndrome; Tumor predisposition; Hereditary Cancer Syndrome; Neoplastic Syndromes, Hereditary. Identifiers: Orphanet 140162, MedGen C0027672, MeSH D009386, MONDO:0015356.
Familial cancer of breast. Also called: hereditary breast carcinoma; Hereditary breast cancer; BREAST CANCER, FAMILIAL. Identifiers: Orphanet 227535, MedGen C0346153, MONDO:0016419, OMIM 114480. Disease mechanism: loss of function.

gnomAD v4.1: 1 of 1,613,222 alleles (0.000062%); highest among the groups gnomAD compares: Non-Finnish European, 0.000085%; no homozygotes.

Submissions (5):

Dasa
Classification: Uncertain significance. Last evaluated: 2026-03-25. Review status: criteria provided, single submitter. Criteria: DASA Assertion Criteria. Collection method: clinical testing. Allele origin: germline.
Comment: NM_007194.4(CHEK2):c.319+7C>T is a splice-region variant. This variant is rare in population databases. Computational prediction algorithms are consistent with a benign effect. The currently available literature and clinical evidence are not sufficient to establish a definitive association between this variant and the reported condition. Therefore, this variant is classified as a variant of uncertain significance.

Myriad Genetics, Inc.
Classification: Likely benign for Familial cancer of breast. Last evaluated: 2024-10-02. Review status: criteria provided, single submitter. Criteria: Myriad Autosomal Dominant, Autosomal Recessive and X-Linked Classification Criteria (2023). Collection method: clinical testing. Allele origin: unknown.
Comment: This variant is considered likely benign. This variant is intronic and is not expected to impact mRNA splicing.

Labcorp Genetics (formerly Invitae), Labcorp
Classification: Likely benign for Familial cancer of breast. Last evaluated: 2022-12-26. Review status: criteria provided, single submitter. Criteria: Invitae Variant Classification Sherloc (09022015). Collection method: clinical testing. Allele origin: germline.

GeneDx
Classification: Likely benign. Last evaluated: 2016-06-24. Review status: criteria provided, single submitter. Criteria: GeneDx Variant Classification (06012015). Collection method: clinical testing. Allele origin: germline. Affected: yes.
Comment: This variant is considered likely benign or benign based on one or more of the following criteria: it is a conservative change, it occurs at a poorly conserved position in the protein, it is predicted to be benign by multiple in silico algorithms, and/or has population frequency not consistent with disease.

Color Diagnostics, LLC DBA Color Health
Classification: Likely benign for Hereditary cancer-predisposing syndrome. Last evaluated: 2016-02-10. Review status: criteria provided, single submitter. Criteria: ACMG Guidelines, 2015. Collection method: clinical testing. Allele origin: germline.

NM_007194.4(CHEK2):c.319+7C>T

Gene: CHEK2 (checkpoint kinase 2; minus strand). Cytogenetic location: 22q12.1.
Variant type: single nucleotide variant.
Coding change: c.319+7C>T on transcript NM_007194.4 (MANE Select); 7 bases into the intron after coding-DNA position 319, C replaced by T.
Molecular consequence: intron variant.
Genome position (GRCh38, 1-based): chr22:28,734,396, G>A on the plus strand (C>T on the coding strand, the complement: CHEK2 is on the minus strand). VCF-style: chr22-28734396-G-A. GRCh37 (hg19) VCF-style: chr22-29130384-G-A.
Other names: c.-345+7373C>T (NM_001437942.1); c.319+7C>T (NM_001349956.3, NM_145862.3, NM_001438295.1 and 3 more transcripts); c.-459+7C>T (NM_001257387.3).
Identifiers: ClinVar variation 387279 (VCV000387279.18), dbSNP rs1057522753, ClinGen allele CA16609090.